The following is an entry in ClinVar:

ClinVar aggregate classification (germline): Uncertain significance (1 of 4 stars; one submission).

Conditions:
Primary ciliary dyskinesia. Also called: Ciliary dyskinesia. Identifiers: Orphanet 244, MedGen C0008780, MONDO:0016575, HP:0012265.

Submission:

Labcorp Genetics (formerly Invitae), Labcorp
Classification: Uncertain significance for Primary ciliary dyskinesia. Last evaluated: 2022-07-06. Review status: criteria provided, single submitter. Criteria: Invitae Variant Classification Sherloc (09022015). Collection method: clinical testing. Allele origin: germline.
Comment: In summary, the available evidence is currently insufficient to determine the role of this variant in disease. Therefore, it has been classified as a Variant of Uncertain Significance. Algorithms developed to predict the effect of missense changes on protein structure and function (SIFT, PolyPhen-2, Align-GVGD) all suggest that this variant is likely to be tolerated. This sequence change replaces proline, which is neutral and non-polar, with leucine, which is neutral and non-polar, at codon 418 of the DNAAF2 protein (p.Pro418Leu). This variant is present in population databases (no rsID available, gnomAD 0.004%). This variant has not been reported in the literature in individuals affected with DNAAF2-related conditions.

NM_018139.3(DNAAF2):c.1253C>T (p.Pro418Leu)

Genes: DNAAF2 (dynein axonemal assembly factor 2; minus strand), LOC130055542 (ATAC-STARR-seq lymphoblastoid silent region 5699; plus strand). Cytogenetic location: 14q21.3.
Variant type: single nucleotide variant.
Coding change: c.1253C>T on transcript NM_018139.3 (MANE Select); coding-DNA position 1253, C replaced by T.
Protein change: p.Pro418Leu; replaces proline 418 with leucine.
Molecular consequence: missense variant. On other transcripts: 5 prime UTR variant (1).
Genome position (GRCh38, 1-based): chr14:49,633,897, G>A on the plus strand (C>T on the coding strand, the complement: DNAAF2 is on the minus strand). VCF-style: chr14-49633897-G-A. GRCh37 (hg19) VCF-style: chr14-50100615-G-A.
Other names: c.1253C>T, p.Pro418Leu (NM_001083908.2); c.-619C>T (NM_001378453.1); short protein forms P418L.
Identifiers: ClinVar variation 2051599 (VCV002051599.3), dbSNP rs886084919, ClinGen allele CA389628305.